The following is an entry in ClinVar:

NM_000540.3(RYR1):c.11357A>G (p.Lys3786Arg)

Gene: RYR1 (ryanodine receptor 1; plus strand). Cytogenetic location: 19q13.2.
Variant type: single nucleotide variant.
Coding change: c.11357A>G on transcript NM_000540.3 (MANE Select); coding-DNA position 11357, A replaced by G.
Protein change: p.Lys3786Arg; replaces lysine 3786 with arginine.
Molecular consequence: missense variant.
Genome position (GRCh38, 1-based): chr19:38,534,817, A>G. VCF-style: chr19-38534817-A-G. GRCh37 (hg19) VCF-style: chr19-39025457-A-G.
Other names: c.11342A>G, p.Lys3781Arg (NM_001042723.2); short protein forms K3781R, K3786R.
Identifiers: ClinVar variation 1420361 (VCV001420361.8), dbSNP rs2145744357, ClinGen allele CA405654916.
Genomic context (GRCh38, chr19:38,534,817, plus strand): 5'-AAGCACGGCTGCACACCCGGGGGGCGGCCGAGATGGTGCTGCAGATGATCAGTGCCTGCA[A>G]AGGTGCCCCTCACATGTGCACTGGACTCTTCCGAGTGCACTCATCCTAACCTCACTCCTC-3'
Protein context (NP_000531.2, residues 3776-3796): EMVLQMISAC[Lys3786Arg]GETGAMVSST

ClinVar aggregate classification (germline): Uncertain significance (1 of 4 stars; one submission).

Conditions:
RYR1-related disorder. Also called: RYR1-related condition; RYR1-related disorders. Identifiers: MedGen CN239331.

Submission:

Labcorp Genetics (formerly Invitae), Labcorp
Classification: Uncertain significance for RYR1-related disorder. Last evaluated: 2021-08-02. Review status: criteria provided, single submitter. Criteria: Invitae Variant Classification Sherloc (09022015). Collection method: clinical testing. Allele origin: germline.
Comment: In summary, the available evidence is currently insufficient to determine the role of this variant in disease. Therefore, it has been classified as a Variant of Uncertain Significance. Algorithms developed to predict the effect of missense changes on protein structure and function are either unavailable or do not agree on the potential impact of this missense change (SIFT: "Deleterious"; PolyPhen-2: "Benign"; Align-GVGD: "Class C0"). This variant has not been reported in the literature in individuals with RYR1-related conditions. This variant is not present in population databases (ExAC no frequency). This sequence change replaces lysine with arginine at codon 3786 of the RYR1 protein (p.Lys3786Arg). The lysine residue is highly conserved and there is a small physicochemical difference between lysine and arginine.